The following is an entry in ClinVar:

NM_020971.3(SPTBN4):c.7386C>T (p.Gly2462=)

Gene: SPTBN4 (spectrin beta, non-erythrocytic 4; plus strand). Cytogenetic location: 19q13.2.
Variant type: single nucleotide variant.
Coding change: c.7386C>T on transcript NM_020971.3 (MANE Select); coding-DNA position 7386, C replaced by T.
Protein change: p.Gly2462=; no amino-acid change (glycine 2462 retained).
Molecular consequence: synonymous variant.
Genome position (GRCh38, 1-based): chr19:40,572,085, C>T. VCF-style: chr19-40572085-C-T. GRCh37 (hg19) VCF-style: chr19-41077991-C-T.
Identifiers: ClinVar variation 1298765 (VCV001298765.36), dbSNP rs138247058, ClinGen allele CA9446958.

ClinVar aggregate classification (germline): Likely benign. Review status: criteria provided, multiple submitters, no conflicts (2 of 4 stars). 3 submissions from 3 submitters: Likely benign (3). Last evaluated 2024-10-30.

Allele frequency attached by ClinVar (database versions not stated): 1000 Genomes Project 30x 0.00031; 1000 Genomes Project 0.00040; ExAC 0.00083; gnomAD exomes 0.00089 and 0.00173; TOPMed 0.00102; gnomAD 0.00109 and 0.00113; ESP Exome Variant Server 0.00115.
gnomAD v4.1: 2,647 of 1,612,806 alleles (0.16%); highest among the groups gnomAD compares: Non-Finnish European, 0.21%; 1 homozygote.

Submissions (3):

Blueprint Genetics
Classification: Likely benign. Last evaluated: 2024-10-30. Review status: criteria provided, single submitter. Criteria: ACMG Guidelines, 2015. Collection method: clinical testing. Allele origin: germline.

CeGaT Center for Human Genetics Tuebingen
Classification: Likely benign. Last evaluated: 2024-10-01. Review status: criteria provided, single submitter. Criteria: CeGaT Center For Human Genetics Tuebingen Variant Classification Criteria Version 2. Collection method: clinical testing. Allele origin: germline. Affected: yes. Observed: 4 variant alleles.
Comment: SPTBN4: BP4, BP7

Breakthrough Genomics
Classification: Likely benign. Review status: criteria provided, single submitter. Criteria: ACMG Guidelines, 2015. Collection method: not provided. Allele origin: germline. Inheritance: Autosomal recessive inheritance. Affected: yes.